The following is an entry in ClinVar:

ClinVar aggregate classification (germline): Likely pathogenic (1 of 4 stars; one submission).

Conditions:
Neuronal ceroid lipofuscinosis 5 (CLN5). Also called: CEROID LIPOFUSCINOSIS, NEURONAL, 5, VARIABLE AGE AT ONSET; Neuronal ceroid lipofuscinosis Finnish variant; NEURONAL CEROID LIPOFUSCINOSIS, LATE INFANTILE, FINNISH VARIANT; CLN5-Related Neuronal Ceroid-Lipofuscinosis. Identifiers: Orphanet 168491, Orphanet 228360, MedGen C1850442, MONDO:0009745, OMIM 256731.

Submission:

Neuberg Centre For Genomic Medicine, NCGM
Classification: Likely pathogenic for Neuronal ceroid lipofuscinosis 5. Review status: criteria provided, single submitter. Criteria: ACMG Guidelines, 2015. Collection method: clinical testing. Allele origin: germline. Inheritance: Autosomal recessive inheritance. Affected: yes.
Comment: The frameshift deletion p.W26Gfs*86 in CLN5 (NM_006493.4) has not been reported previously as a pathogenic variant nor as a benign variant, to our knowledge. The p.W26Gfs*86 variant is novel (not in any individuals) in gnomAD Exomes and is novel (not in any individuals) in 1000 Genomes. This variant is predicted to cause loss of normal protein function through protein truncation. Loss of function variants have been previously reported to be disease causing. This variant causes a frameshift starting with codon Tryptophan 26, changes this amino acid to Glycine residue, and creates a premature Stop codon at position 86 of the new reading frame, denoted p.Trp26GlyfsTer86. For these reasons, this variant has been classified as Likely Pathogenic.

NM_006493.4(CLN5):c.75_81del (p.Trp26fs)

Genes: CLN5 (CLN5 lysosomal BMP synthase; plus strand), LOC130009913 (ATAC-STARR-seq lymphoblastoid silent region 5414; plus strand). Cytogenetic location: 13q22.3.
Variant type: Deletion.
Coding change: c.75_81del on transcript NM_006493.4 (MANE Select); coding-DNA positions 75 to 81, 7 bases deleted (CTGGTGC; older notation c.75_81delCTGGTGC).
Protein change: p.Trp26fs; shifts the reading frame from tryptophan 26.
Molecular consequence: frameshift variant.
Genome position (GRCh38, 1-based): chr13:76,992,173-76,992,179, CTGGTGC deleted; deleting any 7 consecutive bases within chr13:76,992,172-76,992,179 gives the same sequence; the c. name uses the placement nearest the transcript's 3' end. VCF-style (leftmost placement, unchanged base first): chr13-76992171-TCCTGGTG-T. GRCh37 (hg19) VCF-style: chr13-77566306-TCCTGGTG-T.
Other names: c.75_81del, p.Trp26fs (NM_001366624.2); short protein forms W26fs.
Identifiers: ClinVar variation 2585570 (VCV002585570.1), dbSNP rs2501124491, ClinGen allele CA2582341849.
Genomic context (GRCh38, chr13:76,992,171, plus strand): 5'-GTAGACACGGCACAGGGCGCCGAGATGCGGCGGGGCGCGGGCGCGGCTCGGGGACGCGCT[TCCTGGTG>T]CTGGGCCCTGGCGCTGCTTTGGCTCGCGGTGGTTCCGGGCTGGTCCCGGGTCTCGGGCAT-3'